The following is an entry in ClinVar:

ClinVar aggregate classification (germline): Uncertain significance (1 of 4 stars; one submission).

Allele frequency attached by ClinVar (database versions not stated): ESP Exome Variant Server 0.00015.

Submission:

GeneDx
Classification: Uncertain significance. Last evaluated: 2022-01-17. Review status: criteria provided, single submitter. Criteria: GeneDx Variant Classification Process June 2021. Collection method: clinical testing. Allele origin: germline. Affected: yes.
Comment: In silico analysis supports a deleterious effect on splicing; Has not been previously published as pathogenic or benign to our knowledge

NM_004431.5(EPHA2):c.2116-5G>A

Gene: EPHA2 (EPH receptor A2; minus strand). Cytogenetic location: 1p36.13.
Variant type: single nucleotide variant.
Coding change: c.2116-5G>A on transcript NM_004431.5 (MANE Select); 5 bases into the intron before coding-DNA position 2116, G replaced by A.
Molecular consequence: intron variant.
Genome position (GRCh38, 1-based): chr1:16,132,278, C>T on the plus strand (G>A on the coding strand, the complement: EPHA2 is on the minus strand). VCF-style: chr1-16132278-C-T. GRCh37 (hg19) VCF-style: chr1-16458773-C-T.
Other names: c.1954-5G>A (NM_001329090.2).
Identifiers: ClinVar variation 1697057 (VCV001697057.2), dbSNP rs372553014, ClinGen allele CA624910.